The following is an entry in ClinVar:

ClinVar aggregate classification (germline): Uncertain significance (1 of 4 stars; one submission).

Submission:

Labcorp Genetics (formerly Invitae), Labcorp
Classification: Uncertain significance. Last evaluated: 2022-04-04. Review status: criteria provided, single submitter. Criteria: Invitae Variant Classification Sherloc (09022015). Collection method: clinical testing. Allele origin: germline.
Comment: This sequence change replaces valine, which is neutral and non-polar, with aspartic acid, which is acidic and polar, at codon 130 of the MSH3 protein (p.Val130Asp). This variant is not present in population databases (gnomAD no frequency). This variant has not been reported in the literature in individuals affected with MSH3-related conditions. Algorithms developed to predict the effect of missense changes on protein structure and function are either unavailable or do not agree on the potential impact of this missense change (SIFT: "Deleterious"; PolyPhen-2: "Benign"; Align-GVGD: "Class C15"). In summary, the available evidence is currently insufficient to determine the role of this variant in disease. Therefore, it has been classified as a Variant of Uncertain Significance.

NM_002439.5(MSH3):c.389T>A (p.Val130Asp)

Gene: MSH3 (mutS homolog 3; plus strand). Cytogenetic location: 5q14.1.
Variant type: single nucleotide variant.
Coding change: c.389T>A on transcript NM_002439.5 (MANE Select); coding-DNA position 389, T replaced by A.
Protein change: p.Val130Asp; replaces valine 130 with aspartic acid.
Molecular consequence: missense variant.
Genome position (GRCh38, 1-based): chr5:80,665,173, T>A. VCF-style: chr5-80665173-T-A. GRCh37 (hg19) VCF-style: chr5-79960992-T-A.
Other names: short protein forms V130D.
Identifiers: ClinVar variation 2121269 (VCV002121269.4), dbSNP rs2112808721, ClinGen allele CA360263075.